The following is an entry in ClinVar:

NM_001039213.4(CEACAM16):c.569G>A (p.Gly190Asp)

Genes: CEACAM16-AS1 (CEACAM16, CEACAM19 and PVR antisense RNA 1; minus strand), CEACAM16 (CEA cell adhesion molecule 16, tectorial membrane component; plus strand). Cytogenetic location: 19q13.32.
Variant type: single nucleotide variant.
Coding change: c.569G>A on transcript NM_001039213.4 (MANE Select); coding-DNA position 569, G replaced by A.
Protein change: p.Gly190Asp; replaces glycine 190 with aspartic acid.
Molecular consequence: missense variant.
Genome position (GRCh38, 1-based): chr19:44,704,204, G>A. VCF-style: chr19-44704204-G-A. GRCh37 (hg19) VCF-style: chr19-45207474-G-A.
Other names: short protein forms G190D.
Identifiers: ClinVar variation 4527250 (VCV004527250.1).

ClinVar aggregate classification (germline): Uncertain significance (1 of 4 stars; one submission).

Submission:

GeneDx
Classification: Uncertain significance. Last evaluated: 2025-05-01. Review status: criteria provided, single submitter. Criteria: GeneDx Variant Classification Process June 2021. Collection method: clinical testing. Allele origin: germline. Affected: yes.
Comment: Not observed at significant frequency in large population cohorts (gnomAD); In silico analysis suggests that this missense variant does not alter protein structure/function; Has not been previously published as pathogenic or benign to our knowledge